The following is an entry in ClinVar:

NM_153766.3(KCNJ1):c.262A>G (p.Lys88Glu)

Gene: KCNJ1 (potassium inwardly rectifying channel subfamily J member 1; minus strand). Cytogenetic location: 11q24.3.
Variant type: single nucleotide variant.
Coding change: c.262A>G on transcript NM_153766.3 (MANE Select); coding-DNA position 262, A replaced by G.
Protein change: p.Lys88Glu; replaces lysine 88 with glutamic acid.
Molecular consequence: missense variant.
Genome position (GRCh38, 1-based): chr11:128,839,982, T>C on the plus strand (A>G on the coding strand, the complement: KCNJ1 is on the minus strand). VCF-style: chr11-128839982-T-C. GRCh37 (hg19) VCF-style: chr11-128709877-T-C.
Other names: c.319A>G, p.Lys107Glu (NM_000220.6); c.262A>G, p.Lys88Glu (NM_153764.3, NM_153767.4); c.313A>G, p.Lys105Glu (NM_153765.3); short protein forms K88E, K107E, K105E.
Identifiers: ClinVar variation 64392 (VCV000064392.9), dbSNP rs185212943, ClinGen allele CA216044.

ClinVar aggregate classification (germline): Conflicting classifications of pathogenicity. Review status: criteria provided, conflicting classifications (1 of 4 stars). 3 submissions from 3 submitters: Uncertain significance (1); Likely benign (1). 1 of the submissions does not count toward it. Last evaluated 2025-12-26.

Conditions:
Bartter disease type 2. Also called: HYPERPROSTAGLANDIN E SYNDROME 2; HYPOKALEMIC ALKALOSIS WITH HYPERCALCIURIA 2, ANTENATAL; Bartter syndrome, type 2, antenatal. Identifiers: Orphanet 112, Orphanet 620220, MedGen C1855849, MONDO:0009424, OMIM 241200.

Allele frequency attached by ClinVar (database versions not stated): TOPMed 0.00003; gnomAD exomes 0.00020 and 0.00044; 1000 Genomes Project 30x 0.00031; 1000 Genomes Project 0.00040; gnomAD 0.00042 and 0.00043; ExAC 0.00048.
gnomAD v4.1: 362 of 1,614,138 alleles (0.022%); highest among the groups gnomAD compares: Non-Finnish European, 0.0075%; no homozygotes.

Submissions (3):

Labcorp Genetics (formerly Invitae), Labcorp
Classification: Likely benign. Last evaluated: 2025-12-26. Review status: criteria provided, single submitter. Criteria: Invitae Variant Classification Sherloc (09022015). Collection method: clinical testing. Allele origin: germline.

Illumina Laboratory Services, Illumina
Classification: Uncertain significance for Bartter disease type 2. Last evaluated: 2018-01-13. Review status: criteria provided, single submitter. Criteria: ICSL Variant Classification Criteria 13 December 2019. Collection method: clinical testing. Allele origin: germline.

Martin Pollak Laboratory,  Beth Israel Deaconess Medical Center
Classification: Uncertain significance. Review status: no assertion criteria provided. Collection method: not provided. Allele origin: unknown. Not counted in ClinVar's aggregate classification.
Comment: Higher UCa2+ group
ClinVar note: Converted during submission from unknown to Uncertain significance.